The following is an entry in ClinVar:

ClinVar aggregate classification (germline): Likely pathogenic (1 of 4 stars; one submission).

Conditions:
Hereditary cancer-predisposing syndrome. Also called: Neoplastic Syndromes, Hereditary; Tumor predisposition; Hereditary Cancer Syndrome; Hereditary neoplastic syndrome. Identifiers: Orphanet 140162, MedGen C0027672, MeSH D009386, MONDO:0015356.

Submission:

Ambry Genetics
Classification: Likely pathogenic for Hereditary cancer-predisposing syndrome. Last evaluated: 2025-08-15. Review status: criteria provided, single submitter. Criteria: Ambry Variant Classification Scheme 2023. Collection method: clinical testing. Allele origin: germline.
Comment: The p.L389R variant (also known as c.1166T>G), located in coding exon 12 of the MUTYH gene, results from a T to G substitution at nucleotide position 1166. The leucine at codon 389 is replaced by arginine, an amino acid with dissimilar properties. In a massively parallel cell-based functional assay testing 7,8-dihydro-8-oxoguanine:adenine (8OG:A) repair activity, a byproduct of oxidative damage, this variant was reported to be non-functional (Hemker SL et al. Am J Hum Genet. Published online July 29, 2025. DOI: 10.1016/j.ajhg.2025.07.005). This amino acid position is well conserved in available vertebrate species. In addition, this alteration is predicted to be deleterious by in silico analysis. This variant is considered to be rare based on population cohorts in the Genome Aggregation Database (gnomAD). Based on the majority of available evidence to date, this variant is likely to be pathogenic.

Literature cited by the submitters: PubMed 40738107.

NM_001048174.2(MUTYH):c.1082T>G (p.Leu361Arg)

Gene: MUTYH (mutY DNA glycosylase; minus strand). Cytogenetic location: 1p34.1.
Variant type: single nucleotide variant.
Coding change: c.1082T>G on transcript NM_001048174.2 (MANE Select); coding-DNA position 1082, T replaced by G.
Protein change: p.Leu361Arg; replaces leucine 361 with arginine.
Molecular consequence: missense variant. On other transcripts: non-coding transcript variant (2).
Genome position (GRCh38, 1-based): chr1:45,331,681, A>C on the plus strand (T>G on the coding strand, the complement: MUTYH is on the minus strand). VCF-style: chr1-45331681-A-C. GRCh37 (hg19) VCF-style: chr1-45797353-A-C.
Other names: c.1082T>G, p.Leu361Arg (NM_001048171.2, NM_001048173.2, NM_001293195.2); c.1085T>G, p.Leu362Arg (NM_001048172.2); c.1166T>G, p.Leu389Arg (NM_001128425.2); c.1127T>G, p.Leu376Arg (NM_001293190.2); c.1115T>G, p.Leu372Arg (NM_001293191.2); c.806T>G, p.Leu269Arg (NM_001293192.2, NM_001293196.2); c.737T>G, p.Leu246Arg (NM_001350650.2, NM_001350651.2); c.1157T>G, p.Leu386Arg (NM_012222.3); short protein forms L389R, L246R, L269R, L361R, L372R, L362R, L376R, L386R.
Identifiers: ClinVar variation 483910 (VCV000483910.6), dbSNP rs1553126320, ClinGen allele CA340133320.